The following is an entry in ClinVar:

ClinVar aggregate classification (germline): Likely pathogenic (1 of 4 stars; one submission).

Conditions:
Glucose-6-phosphate transport defect (GSD1B). Also called: GSD Ib; Glycogen Storage Disease Type Ib. Identifiers: Orphanet 364, Orphanet 79259, MedGen C0268146, MONDO:0009288, OMIM 232220.

Submission:

Women's Health and Genetics/Laboratory Corporation of America, LabCorp
Classification: Likely pathogenic for Glucose-6-phosphate transport defect. Last evaluated: 2021-12-13. Review status: criteria provided, single submitter. Criteria: LabCorp Variant Classification Summary - May 2015. Collection method: clinical testing. Allele origin: germline.
Comment: Variant summary: SLC37A4 c.681G>A (p.Trp227X) results in a premature termination codon, predicted to cause a truncation of the encoded protein or absence of the protein due to nonsense mediated decay, which are commonly known mechanisms for disease. Truncations downstream of this position have been classified as pathogenic by our laboratory. The variant was absent in 248656 control chromosomes. c.681G>A has been reported in the literature as a compound heterozygous genotype in at-least one individual affected with Glycogen Storage Disease Type Ib who has been subsequently cited by others (example, Janecke_2000). To our knowledge, no experimental evidence demonstrating an impact on protein function has been reported. No clinical diagnostic laboratories have submitted clinical-significance assessments for this variant to ClinVar after 2014. Based on the evidence outlined above, the variant was classified as likely pathogenic.

Literature cited by the submitters: PubMed 11071391.

NM_001164277.2(SLC37A4):c.681G>A (p.Trp227Ter)

Gene: SLC37A4 (solute carrier family 37 member 4; minus strand). Cytogenetic location: 11q23.3.
Variant type: single nucleotide variant.
Coding change: c.681G>A on transcript NM_001164277.2 (MANE Select); coding-DNA position 681, G replaced by A.
Protein change: p.Trp227Ter; replaces tryptophan 227 with a stop codon.
Molecular consequence: nonsense.
Genome position (GRCh38, 1-based): chr11:119,027,040, C>T on the plus strand (G>A on the coding strand, the complement: SLC37A4 is on the minus strand). VCF-style: chr11-119027040-C-T. GRCh37 (hg19) VCF-style: chr11-118897750-C-T.
Other names: c.681G>A, p.Trp227Ter (NM_001164278.2, NM_001164280.2, NM_001467.6); c.462G>A, p.Trp154Ter (NM_001164279.2); short protein forms W154*, W227*.
Identifiers: ClinVar variation 1331393 (VCV001331393.1), dbSNP rs2134635160, ClinGen allele CA382901457.